The following is an entry in ClinVar:

ClinVar aggregate classification (germline): Uncertain significance. Review status: criteria provided, multiple submitters, no conflicts (2 of 4 stars). 3 submissions from 3 submitters: Uncertain significance (3). Last evaluated 2026-07-09.

Conditions:
RP1-related disorder. Also called: RP1-related condition.

Allele frequency attached by ClinVar (database versions not stated): gnomAD exomes 0.00004; ExAC 0.00005; 1000 Genomes Project 30x 0.00016; 1000 Genomes Project 0.00020; TOPMed 0.00024; gnomAD 0.00025 and 0.00026; ESP Exome Variant Server 0.00031.
gnomAD v4.1: 87 of 1,613,706 alleles (0.0054%); highest among the groups gnomAD compares: African/African-American, 0.083%; 2 homozygotes.

Submissions (3):

PreventionGenetics, part of Exact Sciences
Classification: Uncertain significance for RP1-related condition. Last evaluated: 2026-07-09. Review status: criteria provided, single submitter. Criteria: ACMG Guidelines, 2015. Collection method: clinical testing. Allele origin: germline.
Comment: The RP1 c.6323T>G variant is predicted to result in the amino acid substitution p.Ile2108Ser. To our knowledge, this variant has not been reported in the literature. This variant is present in 0.090% of alleles in individuals of African descent in gnomAD, which may be too common to be an unreported cause of disease. Although we suspect that this variant may be benign, at this time, the clinical significance of this variant is uncertain due to the absence of conclusive functional and genetic evidence.

Labcorp Genetics (formerly Invitae), Labcorp
Classification: Uncertain significance. Last evaluated: 2025-05-13. Review status: criteria provided, single submitter. Criteria: Invitae Variant Classification Sherloc (09022015). Collection method: clinical testing. Allele origin: germline.
Comment: This sequence change replaces isoleucine, which is neutral and non-polar, with serine, which is neutral and polar, at codon 2108 of the RP1 protein (p.Ile2108Ser). This variant is present in population databases (rs145297510, gnomAD 0.09%). This variant has not been reported in the literature in individuals affected with RP1-related conditions. ClinVar contains an entry for this variant (Variation ID: 847942). An algorithm developed to predict the effect of missense changes on protein structure and function (PolyPhen-2) suggests that this variant is likely to be disruptive. In summary, the available evidence is currently insufficient to determine the role of this variant in disease. Therefore, it has been classified as a Variant of Uncertain Significance.

Blueprint Genetics
Classification: Uncertain significance. Last evaluated: 2024-08-06. Review status: criteria provided, single submitter. Criteria: ACMG Guidelines, 2015. Collection method: clinical testing. Allele origin: germline.

NM_006269.2(RP1):c.6323T>G (p.Ile2108Ser)

Gene: RP1 (RP1 axonemal microtubule associated; plus strand). Cytogenetic location: 8q12.1.
Variant type: single nucleotide variant.
Coding change: c.6323T>G on transcript NM_006269.2 (MANE Select); coding-DNA position 6323, T replaced by G.
Protein change: p.Ile2108Ser; replaces isoleucine 2108 with serine.
Molecular consequence: missense variant. On other transcripts: intron variant (1).
Genome position (GRCh38, 1-based): chr8:54,630,205, T>G. VCF-style: chr8-54630205-T-G. GRCh37 (hg19) VCF-style: chr8-55542765-T-G.
Other names: c.787+7917T>G (NM_001375654.1); short protein forms I2108S.
Identifiers: ClinVar variation 847942 (VCV000847942.11), dbSNP rs145297510, ClinGen allele CA4752226.